The following is an entry in ClinVar:

NM_032279.4(ATP13A4):c.2895G>T (p.Arg965=)

Gene: ATP13A4 (ATPase 13A4; minus strand). Cytogenetic location: 3q29.
Variant type: single nucleotide variant.
Coding change: c.2895G>T on transcript NM_032279.4 (MANE Select); coding-DNA position 2895, G replaced by T.
Protein change: p.Arg965=; no amino-acid change (arginine 965 retained).
Molecular consequence: synonymous variant.
Genome position (GRCh38, 1-based): chr3:193,414,698, C>A on the plus strand (G>T on the coding strand, the complement: ATP13A4 is on the minus strand). VCF-style: chr3-193414698-C-A. GRCh37 (hg19) VCF-style: chr3-193132487-C-A.
Identifiers: ClinVar variation 3051923 (VCV003051923.2), dbSNP rs150429290, ClinGen allele CA2757904.

ClinVar aggregate classification (germline): Likely benign (0 of 4 stars; one submission).

Conditions:
ATP13A4-related disorder. Also called: ATP13A4-related condition.

Allele frequency attached by ClinVar (database versions not stated): ExAC 0.00041; 1000 Genomes Project 30x 0.00094; 1000 Genomes Project 0.00100; ESP Exome Variant Server 0.00123; TOPMed 0.00152.
gnomAD v4.1: 327 of 1,614,092 alleles (0.02%); highest among the groups gnomAD compares: African/African-American, 0.4%; no homozygotes.

Submission:

PreventionGenetics, part of Exact Sciences
Classification: Likely benign for ATP13A4-related condition. Last evaluated: 2019-03-29. Review status: no assertion criteria provided. Collection method: clinical testing. Allele origin: germline.
Comment: This variant is classified as likely benign based on ACMG/AMP sequence variant interpretation guidelines (Richards et al. 2015 PMID: 25741868, with internal and published modifications).